The following is an entry in ClinVar:

NM_003839.4(TNFRSF11A):c.329G>A (p.Arg110Gln)

Gene: TNFRSF11A (TNF receptor superfamily member 11a; plus strand). Cytogenetic location: 18q21.33.
Variant type: single nucleotide variant.
Coding change: c.329G>A on transcript NM_003839.4 (MANE Select); coding-DNA position 329, G replaced by A.
Protein change: p.Arg110Gln; replaces arginine 110 with glutamine.
Molecular consequence: missense variant.
Genome position (GRCh38, 1-based): chr18:62,354,436, G>A. VCF-style: chr18-62354436-G-A. GRCh37 (hg19) VCF-style: chr18-60021669-G-A.
Other names: c.329G>A, p.Arg110Gln (NM_001270949.2, NM_001270950.2, NM_001270951.2 and 1 more transcripts); short protein forms R110Q.
Identifiers: ClinVar variation 1717316 (VCV001717316.6), dbSNP rs773027289, ClinGen allele CA301693628.

ClinVar aggregate classification (germline): Uncertain significance. Review status: criteria provided, multiple submitters, no conflicts (2 of 4 stars). 2 submissions from 2 submitters: Uncertain significance (2). Last evaluated 2025-08-30.

Conditions:
Inborn genetic diseases. Identifiers: MedGen C0950123, MeSH D030342.

Allele frequency attached by ClinVar (database versions not stated): TOPMed below 0.00001; gnomAD exomes 0.00001.
gnomAD v4.1: 20 of 1,597,936 alleles (0.0013%); highest among the groups gnomAD compares: Non-Finnish European, 0.0016%; no homozygotes.

Submissions (2):

Ambry Genetics
Classification: Uncertain significance for Inborn genetic diseases. Last evaluated: 2025-08-30. Review status: criteria provided, single submitter. Criteria: Ambry Variant Classification Scheme 2023. Collection method: clinical testing. Allele origin: germline.

Labcorp Genetics (formerly Invitae), Labcorp
Classification: Uncertain significance. Last evaluated: 2024-06-05. Review status: criteria provided, single submitter. Criteria: Invitae Variant Classification Sherloc (09022015). Collection method: clinical testing. Allele origin: germline.
Comment: This sequence change replaces arginine, which is basic and polar, with glutamine, which is neutral and polar, at codon 110 of the TNFRSF11A protein (p.Arg110Gln). The frequency data for this variant in the population databases is considered unreliable, as metrics indicate poor data quality at this position in the gnomAD database. This variant has not been reported in the literature in individuals affected with TNFRSF11A-related conditions. ClinVar contains an entry for this variant (Variation ID: 1717316). Advanced modeling of protein sequence and biophysical properties (such as structural, functional, and spatial information, amino acid conservation, physicochemical variation, residue mobility, and thermodynamic stability) performed at Invitae indicates that this missense variant is expected to disrupt TNFRSF11A protein function with a positive predictive value of 80%. In summary, the available evidence is currently insufficient to determine the role of this variant in disease. Therefore, it has been classified as a Variant of Uncertain Significance.